The following is an entry in ClinVar:

ClinVar aggregate classification (germline): Uncertain significance (1 of 4 stars; one submission).

Conditions:
Neutral lipid storage myopathy (NLSDM). Also called: NEUTRAL LIPID STORAGE DISEASE WITHOUT ICHTHYOSIS. Identifiers: Orphanet 98908, MedGen C1853136, MONDO:0012545, OMIM 610717.

Allele frequency attached by ClinVar (database versions not stated): gnomAD exomes below 0.00001 and 0.00001; gnomAD 0.00001; TOPMed 0.00002; ExAC 0.00003.

Submission:

Labcorp Genetics (formerly Invitae), Labcorp
Classification: Uncertain significance for Neutral lipid storage myopathy. Last evaluated: 2025-10-01. Review status: criteria provided, single submitter. Criteria: Invitae Variant Classification Sherloc (09022015). Collection method: clinical testing. Allele origin: germline.
Comment: This sequence change replaces glycine, which is neutral and non-polar, with arginine, which is basic and polar, at codon 292 of the PNPLA2 protein (p.Gly292Arg). The frequency data for this variant in the population databases is considered unreliable, as metrics indicate poor data quality at this position in the gnomAD database. This variant has not been reported in the literature in individuals affected with PNPLA2-related conditions. ClinVar contains an entry for this variant (Variation ID: 860074). Invitae Evidence Modeling of protein sequence and biophysical properties (such as structural, functional, and spatial information, amino acid conservation, physicochemical variation, residue mobility, and thermodynamic stability) indicates that this missense variant is not expected to disrupt PNPLA2 protein function with a negative predictive value of 80%. In summary, the available evidence is currently insufficient to determine the role of this variant in disease. Therefore, it has been classified as a Variant of Uncertain Significance.

NM_020376.4(PNPLA2):c.874G>A (p.Gly292Arg)

Gene: PNPLA2 (patatin like domain 2, triacylglycerol lipase; plus strand). Cytogenetic location: 11p15.5.
Variant type: single nucleotide variant.
Coding change: c.874G>A on transcript NM_020376.4 (MANE Select); coding-DNA position 874, G replaced by A.
Protein change: p.Gly292Arg; replaces glycine 292 with arginine.
Molecular consequence: missense variant.
Genome position (GRCh38, 1-based): chr11:823,810, G>A. VCF-style: chr11-823810-G-A. GRCh37 (hg19) VCF-style: chr11-823810-G-A.
Other names: short protein forms G292R.
Identifiers: ClinVar variation 860074 (VCV000860074.8), dbSNP rs760234919, ClinGen allele CA5791210.